The following is an entry in ClinVar:

ClinVar aggregate classification (germline): Uncertain significance (1 of 4 stars; one submission).

Conditions:
MRAP2-related disorder. Also called: MRAP2-related condition.

Submission:

PreventionGenetics, part of Exact Sciences
Classification: Uncertain significance for MRAP2-related condition. Last evaluated: 2025-06-14. Review status: criteria provided, single submitter. Criteria: ACMG Guidelines, 2015. Collection method: clinical testing. Allele origin: germline.
Comment: The MRAP2 c.565A>T variant is predicted to result in the amino acid substitution p.Ile189Phe. To our knowledge, this variant has not been reported in the literature or in a large population database (gnomAD), indicating this variant is rare. At this time, the clinical significance of this variant is uncertain due to the absence of conclusive functional and genetic evidence.

NM_138409.4(MRAP2):c.565A>T (p.Ile189Phe)

Gene: MRAP2 (melanocortin 2 receptor accessory protein 2; plus strand). Cytogenetic location: 6q14.2.
Variant type: single nucleotide variant.
Coding change: c.565A>T on transcript NM_138409.4 (MANE Select); coding-DNA position 565, A replaced by T.
Protein change: p.Ile189Phe; replaces isoleucine 189 with phenylalanine.
Molecular consequence: missense variant.
Genome position (GRCh38, 1-based): chr6:84,089,428, A>T. VCF-style: chr6-84089428-A-T. GRCh37 (hg19) VCF-style: chr6-84799147-A-T.
Other names: c.307A>T, p.Ile103Phe (NM_001346541.2); c.565A>T, p.Ile189Phe (NM_001346542.2, NM_001346544.2); c.400A>T, p.Ile134Phe (NM_001346543.2); short protein forms I103F, I189F, I134F.
Identifiers: ClinVar variation 4998555 (VCV004998555.1).